The following is an entry in ClinVar:

ClinVar aggregate classification (germline): Uncertain significance (1 of 4 stars; one submission).

Allele frequency attached by ClinVar (database versions not stated): TOPMed below 0.00001; gnomAD exomes 0.00002.
gnomAD v4.1: 16 of 1,550,364 alleles (0.001%); highest among the groups gnomAD compares: Non-Finnish European, 0.0014%; no homozygotes.

Submission:

Labcorp Genetics (formerly Invitae), Labcorp
Classification: Uncertain significance. Last evaluated: 2023-12-28. Review status: criteria provided, single submitter. Criteria: Invitae Variant Classification Sherloc (09022015). Collection method: clinical testing. Allele origin: germline.
Comment: This sequence change replaces leucine, which is neutral and non-polar, with arginine, which is basic and polar, at codon 610 of the PIEZO1 protein (p.Leu610Arg). This variant is not present in population databases (gnomAD no frequency). This variant has not been reported in the literature in individuals affected with PIEZO1-related conditions. Advanced modeling of protein sequence and biophysical properties (such as structural, functional, and spatial information, amino acid conservation, physicochemical variation, residue mobility, and thermodynamic stability) performed at Invitae indicates that this missense variant is expected to disrupt PIEZO1 protein function with a positive predictive value of 80%. In summary, the available evidence is currently insufficient to determine the role of this variant in disease. Therefore, it has been classified as a Variant of Uncertain Significance.

NM_001142864.4(PIEZO1):c.1829T>G (p.Leu610Arg)

Genes: HSALR1 (HSP90AB1 associated lncRNA 1; plus strand), PIEZO1 (piezo type mechanosensitive ion channel component 1 (Er blood group); minus strand). Cytogenetic location: 16q24.3.
Variant type: single nucleotide variant.
Coding change: c.1829T>G on transcript NM_001142864.4 (MANE Select); coding-DNA position 1829, T replaced by G.
Protein change: p.Leu610Arg; replaces leucine 610 with arginine.
Molecular consequence: missense variant.
Genome position (GRCh38, 1-based): chr16:88,734,894, A>C on the plus strand (T>G on the coding strand, the complement: PIEZO1 is on the minus strand). VCF-style: chr16-88734894-A-C. GRCh37 (hg19) VCF-style: chr16-88801302-A-C.
Other names: c.374T>G, p.Leu125Arg (NM_014745.1); short protein forms L610R, L125R.
Identifiers: ClinVar variation 2706118 (VCV002706118.3), dbSNP rs1182406816, ClinGen allele CA397115134.
Genomic context (GRCh38, chr16:88,734,894, plus strand): 5'-GAGGGTCCGTGCCCCAGCCCCCATCCCGGCCCCCCAGCCACCTGGAAGAGGGTGAGGCAG[A>C]GCAGGAAGAGGAACATGTAGACAATCTTGTAGACCACGAGGCGGCCGGCGAAGCTGACCA-3'
Protein context (NP_001136336.2, residues 600-620): YKIVYMFLFL[Leu610Arg]CLTLFQVYYS